The following is an entry in ClinVar:

ClinVar aggregate classification (germline): Benign/Likely benign. Review status: criteria provided, multiple submitters, no conflicts (2 of 4 stars). 5 submissions from 5 submitters: Benign (2); Likely benign (2). 1 of the submissions does not count toward it. Last evaluated 2025-12-26.

Conditions:
Inborn genetic diseases. Identifiers: MedGen C0950123, MeSH D030342.
Brachyolmia-amelogenesis imperfecta syndrome. Also called: PLATYSPONDYLY WITH AMELOGENESIS IMPERFECTA; Tooth agenesis, selective, 6; Dental anomalies and short stature. Identifiers: Orphanet 2899, MedGen C1832594, MONDO:0011018, OMIM 601216. Disease mechanism: loss of function.
LTBP3-related disorder. Also called: LTBP3-related condition.

Allele frequency attached by ClinVar (database versions not stated): TOPMed 0.00031; gnomAD 0.00037; gnomAD exomes 0.00037 and 0.00115; ExAC 0.00267.
gnomAD v4.1: 605 of 1,527,258 alleles (0.04%); highest among the groups gnomAD compares: Non-Finnish European, 0.0085%; 3 homozygotes.

Submissions (5):

Labcorp Genetics (formerly Invitae), Labcorp
Classification: Benign for Brachyolmia-amelogenesis imperfecta syndrome. Last evaluated: 2025-12-26. Review status: criteria provided, single submitter. Criteria: Invitae Variant Classification Sherloc (09022015). Collection method: clinical testing. Allele origin: germline.

Mayo Clinic Laboratories, Mayo Clinic
Classification: Benign. Last evaluated: 2025-09-29. Review status: criteria provided, single submitter. Criteria: ACMG Guidelines, 2015. Collection method: clinical testing. Allele origin: germline. Observed: 1 variant allele.
Comment: BA1, BP4, BP7

Blueprint Genetics
Classification: Likely benign. Last evaluated: 2024-10-07. Review status: criteria provided, single submitter. Criteria: ACMG Guidelines, 2015. Collection method: clinical testing. Allele origin: germline.

Ambry Genetics
Classification: Likely benign for Inborn genetic diseases. Last evaluated: 2022-02-20. Review status: criteria provided, single submitter. Criteria: Ambry Variant Classification Scheme 2023. Collection method: clinical testing. Allele origin: germline.

PreventionGenetics, part of Exact Sciences
Classification: Likely benign for LTBP3-related condition. Last evaluated: 2024-02-28. Review status: no assertion criteria provided. Collection method: clinical testing. Allele origin: germline. Not counted in ClinVar's aggregate classification.
Comment: This variant is classified as likely benign based on ACMG/AMP sequence variant interpretation guidelines (Richards et al. 2015 PMID: 25741868, with internal and published modifications).

NM_001130144.3(LTBP3):c.3435C>T (p.Asp1145=)

Gene: LTBP3 (latent transforming growth factor beta binding protein 3; minus strand). Cytogenetic location: 11q13.1.
Variant type: single nucleotide variant.
Coding change: c.3435C>T on transcript NM_001130144.3 (MANE Select); coding-DNA position 3435, C replaced by T.
Protein change: p.Asp1145=; no amino-acid change (aspartic acid 1145 retained).
Molecular consequence: synonymous variant.
Genome position (GRCh38, 1-based): chr11:65,539,832, G>A on the plus strand (C>T on the coding strand, the complement: LTBP3 is on the minus strand). VCF-style: chr11-65539832-G-A. GRCh37 (hg19) VCF-style: chr11-65307303-G-A.
Other names: p.Asp1145=; c.2943C>T, p.Asp981= (NM_001164266.1); c.3294C>T, p.Asp1098= (NM_021070.4).
Identifiers: ClinVar variation 706123 (VCV000706123.16), dbSNP rs534239532, ClinGen allele CA6100285.
Genomic context (GRCh38, chr11:65,539,832, plus strand): 5'-GCGGCAGCAGCAGTCGTCGAAGGTGAGGGCAGGCCCGGCCAGGGGGCCAGCGCACATGCC[G>A]TCCTCTCCGCGCTGGCTCCAGCACACGTCGCGCCGCTCCGGGGCACGCTCTGCGGAAGAC-3'
Protein context (NP_001123616.1, residues 1135-1155): RDVCWSQRGE[Asp1145=]GMCAGPLAGP